The following is an entry in ClinVar:

ClinVar aggregate classification (germline): Likely pathogenic (0 of 4 stars; one submission).

Conditions:
Epithelial squamous dysplasia, keratinizing desquamative, of urinary tract. Identifiers: MedGen C1856902, MONDO:0009193, OMIM 226985.

Submission:

Women's and Children's Health, University of Otago
Classification: Likely pathogenic for Epithelial squamous dysplasia, keratinizing desquamative, of urinary tract. Last evaluated: 2026-01-19. Review status: no assertion criteria provided. Collection method: research. Allele origin: germline. Inheritance: Autosomal dominant inheritance. Affected: yes. Observed: 4 variant alleles, 4 heterozygotes. Clinical features observed: keratinizing urothelian squamous metaplasia.
Comment: Novel finding therefore ACMG criteria cannot be applied at this point. Our current rationale for the classification is: This variant (RARG NM_000966.6:c.1237C>T) is predicted to result in a premature truncating of translation of the RARG protein (NP_000957.1:p.(Arg413*)). It predicts the loss of the C-terminal half of helix 12, a domain critical for the regulation of RARG function and a prediction that we have demonstrated experimentally. The variant segregates in a single family over 3 meioses affecting 4 individuals over 3 generations. We have not been able to show that is arose de novo. We have shown experimentally that the truncating variant does not destabilise the transcript or protein produced from this allele but the truncated protein produces a reduced responsiveness of the receptor to all-trans retinoic acid via a dominant negative mechanism. Mice heterozygous for the variant demonstrated upregulation of cytokeratin-10 in the bladder and ureteric epithelium consistent with keratinising squamous metaplasia of the urothelium. The curation of the variant is therefore PS3, PP3, PM2, PM1 (likely pathogenic).

NM_000966.6(RARG):c.1237C>T (p.Arg413Ter)

Gene: RARG (retinoic acid receptor gamma; minus strand).
Variant type: single nucleotide variant.
Coding change: c.1237C>T on transcript NM_000966.6 (MANE Select); coding-DNA position 1237, C replaced by T.
Protein change: p.Arg413Ter; replaces arginine 413 with a stop codon.
Molecular consequence: nonsense.
Other names: c.1204C>T, p.Arg402Ter (NM_001042728.3); c.1021C>T, p.Arg341Ter (NM_001243730.2); c.874C>T, p.Arg292Ter (NM_001243731.2); c.1171C>T, p.Arg391Ter (NM_001243732.2); short protein forms R292*, R341*, R391*, R402*, R413*.
Identifiers: ClinVar variation 4686674 (VCV004686674.1).